The following is an entry in ClinVar:

ClinVar aggregate classification (germline): Likely benign. Review status: criteria provided, multiple submitters, no conflicts (2 of 4 stars). 2 submissions from 2 submitters: Likely benign (2). Last evaluated 2026-04-01.

Conditions:
Cardiovascular phenotype. Identifiers: MedGen CN230736.

Allele frequency attached by ClinVar (database versions not stated): gnomAD exomes below 0.00001.
gnomAD v4.1: 3 of 1,551,724 alleles (0.00019%); highest among the groups gnomAD compares: Admixed American, 0.002%; no homozygotes.

Submissions (2):

CeGaT Center for Human Genetics Tuebingen
Classification: Likely benign. Last evaluated: 2026-04-01. Review status: criteria provided, single submitter. Criteria: CeGaT Center For Human Genetics Tuebingen Variant Classification Criteria Version 2. Collection method: clinical testing. Allele origin: germline. Affected: yes. Observed: 1 variant allele.
Comment: RBM20: BP4, BP7

Ambry Genetics
Classification: Likely benign for Cardiovascular phenotype. Last evaluated: 2019-01-04. Review status: criteria provided, single submitter. Criteria: Ambry Variant Classification Scheme 2023. Collection method: clinical testing. Allele origin: germline.

NM_001134363.3(RBM20):c.1270T>C (p.Leu424=)

Gene: RBM20 (RNA binding motif protein 20; plus strand). Cytogenetic location: 10q25.2.
Variant type: single nucleotide variant.
Coding change: c.1270T>C on transcript NM_001134363.3 (MANE Select); coding-DNA position 1270, T replaced by C.
Protein change: p.Leu424=; no amino-acid change (leucine 424 retained).
Molecular consequence: synonymous variant.
Genome position (GRCh38, 1-based): chr10:110,781,879, T>C. VCF-style: chr10-110781879-T-C. GRCh37 (hg19) VCF-style: chr10-112541637-T-C.
Identifiers: ClinVar variation 1765457 (VCV001765457.4), dbSNP rs1049647138, ClinGen allele CA213235196.